The following is an entry in ClinVar:

NM_017420.5(SIX4):c.1233G>A (p.Leu411=)

Gene: SIX4 (SIX homeobox 4; minus strand). Cytogenetic location: 14q23.1.
Variant type: single nucleotide variant.
Coding change: c.1233G>A on transcript NM_017420.5 (MANE Select); coding-DNA position 1233, G replaced by A.
Protein change: p.Leu411=; no amino-acid change (leucine 411 retained).
Molecular consequence: synonymous variant.
Genome position (GRCh38, 1-based): chr14:60,720,076, C>T on the plus strand (G>A on the coding strand, the complement: SIX4 is on the minus strand). VCF-style: chr14-60720076-C-T. GRCh37 (hg19) VCF-style: chr14-61186794-C-T.
Identifiers: ClinVar variation 3350402 (VCV003350402.1).

ClinVar aggregate classification (germline): Likely benign (0 of 4 stars; one submission).

Conditions:
SIX4-related disorder. Also called: SIX4-related condition.

gnomAD v4.1: 2 of 1,614,206 alleles (0.00012%); highest among the groups gnomAD compares: Non-Finnish European, 0.00017%; no homozygotes.

Submission:

PreventionGenetics, part of Exact Sciences
Classification: Likely benign for SIX4-related condition. Last evaluated: 2024-03-07. Review status: no assertion criteria provided. Collection method: clinical testing. Allele origin: germline.
Comment: This variant is classified as likely benign based on ACMG/AMP sequence variant interpretation guidelines (Richards et al. 2015 PMID: 25741868, with internal and published modifications).